The following is an entry in ClinVar:

ClinVar aggregate classification (germline): Conflicting classifications of pathogenicity. Review status: criteria provided, conflicting classifications (1 of 4 stars). 2 submissions from 2 submitters: Uncertain significance (1); Likely benign (1). Last evaluated 2025-12-30.

Conditions:
CREBBP-related disorder. Also called: CREBBP-related condition; CREBBP-related disorders.
Rubinstein-Taybi syndrome (RSTS). Identifiers: Orphanet 783, MedGen C0035934, MONDO:0019188.

Allele frequency attached by ClinVar (database versions not stated): gnomAD exomes below 0.00001; ExAC 0.00001.
gnomAD v4.1: 2 of 1,613,736 alleles (0.00012%); highest among the groups gnomAD compares: Non-Finnish European, 0.00017%; no homozygotes.

Submissions (2):

PreventionGenetics, part of Exact Sciences
Classification: Uncertain significance for CREBBP-related condition. Last evaluated: 2025-12-30. Review status: criteria provided, single submitter. Criteria: ACMG Guidelines, 2015. Collection method: clinical testing. Allele origin: germline.
Comment: The CREBBP c.2502C>T variant is not predicted to result in an amino acid change (p.=). This variant is predicted to impact splicing based on available splicing prediction programs (SpliceAI, Jaganathan et al. 2019. PubMed ID: 30661751). To our knowledge, this variant has not been reported in the literature. This variant is reported in 0.00089% of alleles in individuals of European (non-Finnish) descent in gnomAD. At this time, the clinical significance of this variant is uncertain due to the absence of conclusive functional and genetic evidence.

Labcorp Genetics (formerly Invitae), Labcorp
Classification: Likely benign for Rubinstein-Taybi syndrome. Last evaluated: 2023-08-27. Review status: criteria provided, single submitter. Criteria: Invitae Variant Classification Sherloc (09022015). Collection method: clinical testing. Allele origin: germline.

NM_004380.3(CREBBP):c.2502C>T (p.Asn834=)

Gene: CREBBP (CREB binding lysine acetyltransferase; minus strand). Cytogenetic location: 16p13.3.
Variant type: single nucleotide variant.
Coding change: c.2502C>T on transcript NM_004380.3 (MANE Select); coding-DNA position 2502, C replaced by T.
Protein change: p.Asn834=; no amino-acid change (asparagine 834 retained).
Molecular consequence: synonymous variant.
Genome position (GRCh38, 1-based): chr16:3,770,948, G>A on the plus strand (C>T on the coding strand, the complement: CREBBP is on the minus strand). VCF-style: chr16-3770948-G-A. GRCh37 (hg19) VCF-style: chr16-3820949-G-A.
Other names: c.2388C>T, p.Asn796= (NM_001079846.1); c.2502C>T (NM_004380.2).
Identifiers: ClinVar variation 2894604 (VCV002894604.4), dbSNP rs752606825, ClinGen allele CA7870095.